The following is an entry in ClinVar:

ClinVar aggregate classification (germline): Pathogenic/Likely pathogenic. Review status: criteria provided, multiple submitters, no conflicts (2 of 4 stars). 4 submissions from 4 submitters: Pathogenic (1); Likely pathogenic (2). 1 of the submissions does not count toward it. Last evaluated 2025-08-07.

Conditions:
Dystonia 30. Identifiers: MedGen C5543312, MONDO:0025691, OMIM 619291.

Submissions (4):

3billion
Classification: Pathogenic for Dystonia 30. Last evaluated: 2025-08-07. Review status: criteria provided, single submitter. Criteria: ACMG Guidelines, 2015. Collection method: clinical testing. Allele origin: germline. Affected: yes.
Comment: The variant is not observed in the gnomAD v4.1.0 dataset. Predicted Consequence/Location: Stop-gained (nonsense): predicted to result in a loss or disruption of normal protein function through nonsense-mediated decay (NMD) or protein truncation. Multiple pathogenic variants are reported downstream of the variant. The variant has been reported at least twice as pathogenic without evidence for the classification (ClinVar ID: VCV001695013 /PMID: 38291845). Therefore, this variant is classified as Pathogenic according to the recommendation of ACMG/AMP guideline.

Institute of Human Genetics Munich, TUM University Hospital
Classification: Likely pathogenic for Dystonia 30. Last evaluated: 2022-08-09. Review status: criteria provided, single submitter. Criteria: Classification criteria August 2017. Collection method: clinical testing. Allele origin: germline. Inheritance: Autosomal dominant inheritance. Affected: yes. Observed: 1 variant allele.

CeGaT Center for Human Genetics Tuebingen
Classification: Likely pathogenic. Last evaluated: 2022-05-01. Review status: criteria provided, single submitter. Criteria: CeGaT Center For Human Genetics Tuebingen Variant Classification Criteria Version 2. Collection method: clinical testing. Allele origin: germline. Affected: yes. Observed: 2 variant alleles.
Comment: VPS16: PVS1:Strong, PM2, PP4

Department of Neurodegenerative Diseases, AG Gasser, Hertie Institute for Clinical Brain Research
Classification: Likely pathogenic for Dystonia 30. Last evaluated: 2026-01-15. Review status: no assertion criteria provided. Collection method: research. Allele origin: germline. Inheritance: Autosomal dominant inheritance. Affected: yes. Not counted in ClinVar's aggregate classification.

Literature cited by the submitters: PubMed 38291845 (cited by 3billion).

NM_022575.4(VPS16):c.1389C>G (p.Tyr463Ter)

Gene: VPS16 (VPS16 core subunit of CORVET and HOPS complexes; plus strand). Cytogenetic location: 20p13.
Variant type: single nucleotide variant.
Coding change: c.1389C>G on transcript NM_022575.4 (MANE Select); coding-DNA position 1389, C replaced by G.
Protein change: p.Tyr463Ter; replaces tyrosine 463 with a stop codon.
Molecular consequence: nonsense.
Genome position (GRCh38, 1-based): chr20:2,863,311, C>G. VCF-style: chr20-2863311-C-G. GRCh37 (hg19) VCF-style: chr20-2843957-C-G.
Other names: c.957C>G, p.Tyr319Ter (NM_080413.3); short protein forms Y319*, Y463*.
Identifiers: ClinVar variation 1695013 (VCV001695013.33), dbSNP rs2146673211, ClinGen allele CA408057223.